The following is an entry in ClinVar:

ClinVar aggregate classification (germline): Conflicting classifications of pathogenicity. Review status: criteria provided, conflicting classifications (1 of 4 stars). 2 submissions from 2 submitters: Uncertain significance (1); Likely benign (1). Last evaluated 2022-08-09.

Allele frequency attached by ClinVar (database versions not stated): gnomAD exomes 0.00001 and 0.00002; ExAC 0.00001; TOPMed 0.00002; gnomAD 0.00001; ESP Exome Variant Server 0.00008.

Submissions (2):

Labcorp Genetics (formerly Invitae), Labcorp
Classification: Likely benign. Last evaluated: 2022-08-09. Review status: criteria provided, single submitter. Criteria: Invitae Variant Classification Sherloc (09022015). Collection method: clinical testing. Allele origin: germline.

GeneDx
Classification: Uncertain significance. Last evaluated: 2018-05-25. Review status: criteria provided, single submitter. Criteria: GeneDx Variant Classification (06012015). Collection method: clinical testing. Allele origin: germline. Affected: yes.
Comment: The D135N variant in the COL4A2 gene has not been reported previously as a pathogenic variant, nor as a benign variant, to our knowledge. The D135N variant is observed in 2/15002 (0.01%) alleles from individuals of European (non-Finnish) background, in large population cohorts (Lek et al., 2016). The D135N variant is a semi-conservative amino acid substitution, which may impact secondary protein structure as these residues differ in some properties. In-silico analyses, including protein predictors and evolutionary conservation, support a deleterious effect. We interpret D135N as a variant of uncertain significance

NM_001846.4(COL4A2):c.403G>A (p.Asp135Asn)

Gene: COL4A2 (collagen type IV alpha 2 chain; plus strand). Cytogenetic location: 13q34.
Variant type: single nucleotide variant.
Coding change: c.403G>A on transcript NM_001846.4 (MANE Select); coding-DNA position 403, G replaced by A.
Protein change: p.Asp135Asn; replaces aspartic acid 135 with asparagine.
Molecular consequence: missense variant.
Genome position (GRCh38, 1-based): chr13:110,428,509, G>A. VCF-style: chr13-110428509-G-A. GRCh37 (hg19) VCF-style: chr13-111080856-G-A.
Other names: short protein forms D135N.
Identifiers: ClinVar variation 546386 (VCV000546386.8), dbSNP rs369865437, ClinGen allele CA7048887.